The following is an entry in ClinVar:

NM_001130438.3(SPTAN1):c.6754G>T (p.Ala2252Ser)

Gene: SPTAN1 (spectrin alpha, non-erythrocytic 1; plus strand). Cytogenetic location: 9q34.11.
Variant type: single nucleotide variant.
Coding change: c.6754G>T on transcript NM_001130438.3 (MANE Select); coding-DNA position 6754, G replaced by T.
Protein change: p.Ala2252Ser; replaces alanine 2252 with serine.
Molecular consequence: missense variant.
Genome position (GRCh38, 1-based): chr9:128,630,367, G>T. VCF-style: chr9-128630367-G-T. GRCh37 (hg19) VCF-style: chr9-131392646-G-T.
Other names: c.6679G>T, p.Ala2227Ser (NM_001195532.2); c.6817G>T, p.Ala2273Ser (NM_001363759.2); c.6694G>T, p.Ala2232Ser (NM_001363765.2, NM_001375314.2); c.6841G>T, p.Ala2281Ser (NM_001375310.1); c.6754G>T, p.Ala2252Ser (NM_001375311.2); c.6790G>T, p.Ala2264Ser (NM_001375312.2); c.6736G>T, p.Ala2246Ser (NM_001375313.1); c.6853G>T, p.Ala2285Ser (NM_001375318.1); and 1 more; short protein forms A2227S, A2232S, A2246S, A2247S, A2252S, A2264S, A2273S, A2281S.
Identifiers: ClinVar variation 1011470 (VCV001011470.10), dbSNP rs1859501262, ClinGen allele CA375095439.

ClinVar aggregate classification (germline): Uncertain significance (1 of 4 stars; one submission).

Conditions:
Early-infantile DEE. Also called: Ohtahara syndrome; Early infantile epileptic encephalopathy with suppression bursts; Early infantile epileptic encephalopathy. Identifiers: Orphanet 1934, MedGen C0393706, MONDO:0800491.

Submission:

Labcorp Genetics (formerly Invitae), Labcorp
Classification: Uncertain significance for Early-infantile DEE. Last evaluated: 2020-01-26. Review status: criteria provided, single submitter. Criteria: Invitae Variant Classification Sherloc (09022015). Collection method: clinical testing. Allele origin: germline.
Comment: This variant has not been reported in the literature in individuals with SPTAN1-related conditions. This sequence change replaces alanine with serine at codon 2252 of the SPTAN1 protein (p.Ala2252Ser). The alanine residue is highly conserved and there is a moderate physicochemical difference between alanine and serine. This variant is not present in population databases (ExAC no frequency). Algorithms developed to predict the effect of missense changes on protein structure and function are either unavailable or do not agree on the potential impact of this missense change (SIFT: "Deleterious"; PolyPhen-2: "Benign"; Align-GVGD: "Class C65"). In summary, the available evidence is currently insufficient to determine the role of this variant in disease. Therefore, it has been classified as a Variant of Uncertain Significance.